The following is an entry in ClinVar:

NM_014629.4(ARHGEF10):c.3950G>A (p.Arg1317Gln)

Gene: ARHGEF10 (Rho guanine nucleotide exchange factor 10; plus strand). Cytogenetic location: 8p23.3.
Variant type: single nucleotide variant.
Coding change: c.3950G>A on transcript NM_014629.4 (MANE Select); coding-DNA position 3950, G replaced by A.
Protein change: p.Arg1317Gln; replaces arginine 1317 with glutamine.
Molecular consequence: missense variant.
Genome position (GRCh38, 1-based): chr8:1,957,178, G>A. VCF-style: chr8-1957178-G-A. GRCh37 (hg19) VCF-style: chr8-1905344-G-A.
Other names: c.3836G>A, p.Arg1279Gln (NM_001308152.2); c.3950G>A, p.Arg1317Gln (NM_001308153.3); short protein forms R1279Q, R1317Q, R1341Q.
Identifiers: ClinVar variation 3608578 (VCV003608578.3).

ClinVar aggregate classification (germline): Conflicting classifications of pathogenicity. Review status: criteria provided, conflicting classifications (1 of 4 stars). 2 submissions from 2 submitters: Uncertain significance (1); Likely benign (1). Last evaluated 2026-09-01.

gnomAD v4.1: 20 of 1,612,424 alleles (0.0012%); highest among the groups gnomAD compares: African/African-American, 0.004%; no homozygotes.

Submissions (2):

CeGaT Center for Human Genetics Tuebingen
Classification: Likely benign. Last evaluated: 2026-09-01. Review status: criteria provided, single submitter. Criteria: CeGaT Center For Human Genetics Tuebingen Variant Classification Criteria Version 2. Collection method: clinical testing. Allele origin: germline. Affected: yes. Observed: 1 variant allele.
Comment: ARHGEF10: BP4

Labcorp Genetics (formerly Invitae), Labcorp
Classification: Uncertain significance. Last evaluated: 2025-06-22. Review status: criteria provided, single submitter. Criteria: Invitae Variant Classification Sherloc (09022015). Collection method: clinical testing. Allele origin: germline.
Comment: This sequence change replaces arginine, which is basic and polar, with glutamine, which is neutral and polar, at codon 1317 of the ARHGEF10 protein (p.Arg1317Gln). This variant is not present in population databases (gnomAD no frequency). This variant has not been reported in the literature in individuals affected with ARHGEF10-related conditions. ClinVar contains an entry for this variant (Variation ID: 3608578). Invitae Evidence Modeling of protein sequence and biophysical properties (such as structural, functional, and spatial information, amino acid conservation, physicochemical variation, residue mobility, and thermodynamic stability) indicates that this missense variant is not expected to disrupt ARHGEF10 protein function with a negative predictive value of 80%. In summary, the available evidence is currently insufficient to determine the role of this variant in disease. Therefore, it has been classified as a Variant of Uncertain Significance.